The following is an entry in ClinVar:

NM_004655.4(AXIN2):c.815+1G>A

Gene: AXIN2 (axin 2; minus strand). Cytogenetic location: 17q24.1.
Variant type: single nucleotide variant.
Coding change: c.815+1G>A on transcript NM_004655.4 (MANE Select); the canonical splice donor site of the intron after coding-DNA position 815, G replaced by A.
Molecular consequence: splice donor variant.
Genome position (GRCh38, 1-based): chr17:65,557,805, C>T on the plus strand (G>A on the coding strand, the complement: AXIN2 is on the minus strand). VCF-style: chr17-65557805-C-T. GRCh37 (hg19) VCF-style: chr17-63553923-C-T.
Other names: c.815+1G>A (NM_001363813.1).
Identifiers: ClinVar variation 950307 (VCV000950307.12), dbSNP rs781384784, ClinGen allele CA8718982.
Genomic context (GRCh38, chr17:65,557,805, plus strand): 5'-CATACTTAAAACATCTGCAAAGTCCACAGCATCAGCCCACCCGCCCCCGTCAAAGTCTTA[C>T]CTGTATCCACTGTCAACAGTTTCCGTGGACCTCACACTCGCCGTGGCCCTCAGAGTTTTG-3'

ClinVar aggregate classification (germline): Pathogenic/Likely pathogenic. Review status: criteria provided, multiple submitters, no conflicts (2 of 4 stars). 4 submissions from 4 submitters: Pathogenic (1); Likely pathogenic (3). Last evaluated 2024-05-06.

Conditions:
Colorectal cancer. Also called: Colorectal cancer, somatic; Malignant Colorectal Neoplasm. Identifiers: MedGen C0346629, MONDO:0005575, OMIM 114500.
Hereditary cancer-predisposing syndrome. Also called: Tumor predisposition; Hereditary neoplastic syndrome; Neoplastic Syndromes, Hereditary; Hereditary Cancer Syndrome. Identifiers: Orphanet 140162, MedGen C0027672, MeSH D009386, MONDO:0015356.
Oligodontia-cancer predisposition syndrome. Also called: TOOTH AGENESIS-COLORECTAL CANCER SYNDROME. Identifiers: Orphanet 300576, MedGen C1837750, MONDO:0012075, OMIM 608615. Disease mechanism: loss of function.

Allele frequency attached by ClinVar (database versions not stated): gnomAD exomes below 0.00001; TOPMed below 0.00001; ExAC 0.00001; gnomAD 0.00001.
gnomAD v4.1: 4 of 1,614,086 alleles (0.00025%); highest among the groups gnomAD compares: Non-Finnish European, 0.00034%; no homozygotes.

Submissions (4):

Labcorp Genetics (formerly Invitae), Labcorp
Classification: Pathogenic for Oligodontia-cancer predisposition syndrome. Last evaluated: 2024-05-06. Review status: criteria provided, single submitter. Criteria: Invitae Variant Classification Sherloc (09022015). Collection method: clinical testing. Allele origin: germline.
Comment: This sequence change affects a donor splice site in intron 2 of the AXIN2 gene. RNA analysis indicates that disruption of this splice site induces altered splicing and may result in an absent or disrupted protein product. This variant is present in population databases (rs781384784, gnomAD 0.0009%). This variant has not been reported in the literature in individuals affected with AXIN2-related conditions. ClinVar contains an entry for this variant (Variation ID: 950307). Studies have shown that disruption of this splice site results in activation of a cryptic splice site and introduces a premature termination codon (Invitae). The resulting mRNA is expected to undergo nonsense-mediated decay. For these reasons, this variant has been classified as Pathogenic.

Ambry Genetics
Classification: Likely pathogenic for Hereditary cancer-predisposing syndrome. Last evaluated: 2024-04-20. Review status: criteria provided, single submitter. Criteria: Ambry Variant Classification Scheme 2023. Collection method: clinical testing. Allele origin: germline.
Comment: The c.815+1G>A intronic variant results from a G to A substitution one nucleotide after coding exon 1 of the AXIN2 gene. This nucleotide position is highly conserved in available vertebrate species. In silico splice site analysis predicts that this alteration will weaken the native splice donor site; however, direct evidence is insufficient at this time (Ambry internal data). Alterations that disrupt the canonical splice site are expected to cause aberrant splicing, resulting in an abnormal protein or a transcript that is subject to nonsense-mediated mRNA decay. As such, this alteration is classified as likely pathogenic.

Myriad Genetics, Inc.
Classification: Likely pathogenic for Oligodontia-cancer predisposition syndrome. Last evaluated: 2023-05-17. Review status: criteria provided, single submitter. Criteria: Myriad Autosomal Dominant, Autosomal Recessive and X-Linked Classification Criteria (2023). Collection method: clinical testing. Allele origin: unknown.
Comment: This variant is considered likely pathogenic. This variant occurs within a consensus splice junction and is predicted to result in abnormal mRNA splicing of either an out-of-frame exon or an in-frame exon necessary for protein stability and/or normal function.

Baylor Genetics
Classification: Likely pathogenic for Colorectal cancer. Last evaluated: 2022-03-10. Review status: criteria provided, single submitter. Criteria: ACMG Guidelines, 2015. Collection method: clinical testing. Allele origin: unknown.